The following is an entry in ClinVar:

NM_005560.6(LAMA5):c.4066C>T (p.His1356Tyr)

Gene: LAMA5 (laminin subunit alpha 5; minus strand). Cytogenetic location: 20q13.33.
Variant type: single nucleotide variant.
Coding change: c.4066C>T on transcript NM_005560.6 (MANE Select); coding-DNA position 4066, C replaced by T.
Protein change: p.His1356Tyr; replaces histidine 1356 with tyrosine.
Molecular consequence: missense variant.
Genome position (GRCh38, 1-based): chr20:62,329,830, G>A on the plus strand (C>T on the coding strand, the complement: LAMA5 is on the minus strand). VCF-style: chr20-62329830-G-A. GRCh37 (hg19) VCF-style: chr20-60904886-G-A.
Other names: short protein forms H1356Y.
Identifiers: ClinVar variation 2116257 (VCV002116257.4), dbSNP rs1165690472, ClinGen allele CA409566635.
Genomic context (GRCh38, chr20:62,329,830, plus strand): 5'-GACTCACCAGCCAGAGCCACCGGCCCTTGGGCACACGCACGGTCACAGTGAGCTCGCTGT[G>A]GGTCACGTCCAGCAGGGCCTGGCCCTCACACACCACCAGGGTGCGGCAGCCGTAGCCATG-3'
Protein context (NP_005551.3, residues 1346-1366): CEGQALLDVT[His1356Tyr]SELTVTVRVP

ClinVar aggregate classification (germline): Uncertain significance (1 of 4 stars; one submission).

Allele frequency attached by ClinVar (database versions not stated): gnomAD exomes below 0.00001.
gnomAD v4.1: 6 of 1,612,448 alleles (0.00037%); highest among the groups gnomAD compares: Non-Finnish European, 0.00034%; no homozygotes.

Submission:

Labcorp Genetics (formerly Invitae), Labcorp
Classification: Uncertain significance. Last evaluated: 2022-03-23. Review status: criteria provided, single submitter. Criteria: Invitae Variant Classification Sherloc (09022015). Collection method: clinical testing. Allele origin: germline.
Comment: In summary, the available evidence is currently insufficient to determine the role of this variant in disease. Therefore, it has been classified as a Variant of Uncertain Significance. Algorithms developed to predict the effect of missense changes on protein structure and function are either unavailable or do not agree on the potential impact of this missense change (SIFT: "Deleterious"; PolyPhen-2: "Benign"; Align-GVGD: "Class C0"). This variant has not been reported in the literature in individuals affected with LAMA5-related conditions. The frequency data for this variant in the population databases is considered unreliable, as metrics indicate poor data quality at this position in the gnomAD database. This sequence change replaces histidine, which is basic and polar, with tyrosine, which is neutral and polar, at codon 1356 of the LAMA5 protein (p.His1356Tyr).